The following is an entry in ClinVar:

NM_001122955.4(BSCL2):c.260G>A (p.Arg87His)

Genes: HNRNPUL2-BSCL2 (HNRNPUL2-BSCL2 readthrough (NMD candidate); minus strand), BSCL2 (BSCL2 lipid droplet biogenesis associated, seipin; minus strand). Cytogenetic location: 11q12.3.
Variant type: single nucleotide variant.
Coding change: c.260G>A on transcript NM_001122955.4 (MANE Select); coding-DNA position 260, G replaced by A.
Protein change: p.Arg87His; replaces arginine 87 with histidine.
Molecular consequence: missense variant. On other transcripts: non-coding transcript variant (1).
Genome position (GRCh38, 1-based): chr11:62,705,445, C>T on the plus strand (G>A on the coding strand, the complement: BSCL2 is on the minus strand). VCF-style: chr11-62705445-C-T. GRCh37 (hg19) VCF-style: chr11-62472917-C-T.
Other names: c.68G>A, p.Arg23His (NM_032667.6, NM_001130702.2); c.260G>A, p.Arg87His (NM_001386027.1, NM_001386028.1); short protein forms R87H, R23H.
Identifiers: ClinVar variation 2053512 (VCV002053512.5), dbSNP rs1296501254, ClinGen allele CA380970704.

ClinVar aggregate classification (germline): Uncertain significance. Review status: criteria provided, multiple submitters, no conflicts (2 of 4 stars). 2 submissions from 2 submitters: Uncertain significance (2). Last evaluated 2023-12-27.

Conditions:
Severe neurodegenerative syndrome with lipodystrophy. Also called: ENCEPHALOPATHY, PROGRESSIVE, WITH LIPODYSTROPHY; Encephalopathy, progressive, with or without lipodystrophy. Identifiers: Orphanet 363400, MedGen C4014700, MONDO:0014402, OMIM 615924.
Congenital generalized lipodystrophy type 2 (CGL2). Also called: BERARDINELLI SYNDROME; BRUNZELL SYNDROME, BSCL2-RELATED; SEIP SYNDROME; Berardinelli-Seip Congenital Lipodystrophy Type 2. Identifiers: Orphanet 528, Orphanet 696289, MedGen C1720863, MONDO:0010020, OMIM 269700.
Neuronopathy, distal hereditary motor, type 5C. Also called: DHMN VC; NEURONOPATHY, DISTAL HEREDITARY MOTOR, AUTOSOMAL DOMINANT 13; NEURONOPATHY, DISTAL HEREDITARY MOTOR, HARDING TYPE VC; NEUROPATHY, DISTAL HEREDITARY MOTOR, HARDING TYPE VC; SPINAL MUSCULAR ATROPHY, DISTAL, HARDING TYPE VC. Identifiers: MedGen C5436838, MONDO:0030860, OMIM 619112.
Hereditary spastic paraplegia 17. Also called: SPASTIC PARAPLEGIA WITH AMYOTROPHY OF HANDS AND FEET; Silver spastic paraplegia syndrome; Spastic Paraplegia 17; Autosomal dominant spastic paraplegia type 17; Silver Syndrome. Identifiers: Orphanet 100998, MedGen C2931276, MONDO:0010043, OMIM 270685.
Charcot-Marie-Tooth disease type 2. Also called: Charcot-Marie-Tooth type 2. Identifiers: Orphanet 64746, MedGen C0270914, MONDO:0018993.

Allele frequency attached by ClinVar (database versions not stated): gnomAD exomes below 0.00001; TOPMed below 0.00001; gnomAD 0.00001.
gnomAD v4.1: 5 of 1,614,084 alleles (0.00031%); highest among the groups gnomAD compares: Middle Eastern, 0.016%; no homozygotes.

Submissions (2):

Fulgent Genetics
Classification: Uncertain significance for Congenital generalized lipodystrophy type 2; Hereditary spastic paraplegia 17; Severe neurodegenerative syndrome with lipodystrophy; Neuronopathy, distal hereditary motor, type 5C. Last evaluated: 2023-12-27. Review status: criteria provided, single submitter. Criteria: ACMG Guidelines, 2015. Collection method: clinical testing. Allele origin: germline.

Labcorp Genetics (formerly Invitae), Labcorp
Classification: Uncertain significance for Charcot-Marie-Tooth disease type 2. Last evaluated: 2022-02-23. Review status: criteria provided, single submitter. Criteria: Invitae Variant Classification Sherloc (09022015). Collection method: clinical testing. Allele origin: germline.
Comment: This sequence change replaces arginine, which is basic and polar, with histidine, which is basic and polar, at codon 23 of the BSCL2 protein (p.Arg23His). This variant is present in population databases (no rsID available, gnomAD 0.003%). In summary, the available evidence is currently insufficient to determine the role of this variant in disease. Therefore, it has been classified as a Variant of Uncertain Significance. Algorithms developed to predict the effect of missense changes on protein structure and function are either unavailable or do not agree on the potential impact of this missense change (SIFT: "Tolerated"; PolyPhen-2: "Possibly Damaging"; Align-GVGD: "Class C0"). This variant has not been reported in the literature in individuals affected with BSCL2-related conditions.